The following is an entry in ClinVar:

ClinVar aggregate classification (germline): Benign/Likely benign. Review status: criteria provided, multiple submitters, no conflicts (2 of 4 stars). 3 submissions from 3 submitters: Benign (1); Likely benign (2). Last evaluated 2026-06-01.

Allele frequency attached by ClinVar (database versions not stated): ESP Exome Variant Server 0.00024; TOPMed 0.00065; 1000 Genomes Project 0.00100; gnomAD 0.00114 and 0.00119; 1000 Genomes Project 30x 0.00125; gnomAD exomes 0.00137; ExAC 0.00167.

Submissions (3):

CeGaT Center for Human Genetics Tuebingen
Classification: Likely benign. Last evaluated: 2026-06-01. Review status: criteria provided, single submitter. Criteria: CeGaT Center For Human Genetics Tuebingen Variant Classification Criteria Version 2. Collection method: clinical testing. Allele origin: germline. Affected: yes. Observed: 10 variant alleles.
Comment: KMT2B: BP4, BP7

Labcorp Genetics (formerly Invitae), Labcorp
Classification: Benign. Last evaluated: 2025-12-17. Review status: criteria provided, single submitter. Criteria: Invitae Variant Classification Sherloc (09022015). Collection method: clinical testing. Allele origin: germline.

Blueprint Genetics
Classification: Likely benign. Last evaluated: 2024-10-25. Review status: criteria provided, single submitter. Criteria: ACMG Guidelines, 2015. Collection method: clinical testing. Allele origin: germline.

NM_014727.3(KMT2B):c.759A>G (p.Pro253=)

Gene: KMT2B (lysine methyltransferase 2B; plus strand). Cytogenetic location: 19q13.12.
Variant type: single nucleotide variant.
Coding change: c.759A>G on transcript NM_014727.3 (MANE Select); coding-DNA position 759, A replaced by G.
Protein change: p.Pro253=; no amino-acid change (proline 253 retained).
Molecular consequence: synonymous variant.
Genome position (GRCh38, 1-based): chr19:35,720,106, A>G. VCF-style: chr19-35720106-A-G. GRCh37 (hg19) VCF-style: chr19-36211008-A-G.
Identifiers: ClinVar variation 1013153 (VCV001013153.43), dbSNP rs183287776, ClinGen allele CA9384110.